The following is an entry in ClinVar:

NM_001376.5(DYNC1H1):c.12756T>G (p.Tyr4252Ter)

Gene: DYNC1H1 (dynein cytoplasmic 1 heavy chain 1; plus strand). Cytogenetic location: 14q32.31.
Variant type: single nucleotide variant.
Coding change: c.12756T>G on transcript NM_001376.5 (MANE Select); coding-DNA position 12756, T replaced by G.
Protein change: p.Tyr4252Ter; replaces tyrosine 4252 with a stop codon.
Molecular consequence: nonsense.
Genome position (GRCh38, 1-based): chr14:102,044,345, T>G. VCF-style: chr14-102044345-T-G. GRCh37 (hg19) VCF-style: chr14-102510682-T-G.
Other names: short protein forms Y4252*.
Identifiers: ClinVar variation 835297 (VCV000835297.7), dbSNP rs2048688862, ClinGen allele CA391043812.

ClinVar aggregate classification (germline): Uncertain significance (1 of 4 stars; one submission).

Conditions:
Charcot-Marie-Tooth disease axonal type 2O. Also called: CHARCOT-MARIE-TOOTH NEUROPATHY, AXONAL, TYPE 2O; CHARCOT-MARIE-TOOTH DISEASE, AXONAL, AUTOSOMAL DOMINANT, TYPE 2O; Charcot-Marie-Tooth Neuropathy Type 2O; Charcot-Marie-Tooth disease, axonal, type 20. Identifiers: Orphanet 284232, MedGen C3280220, MONDO:0013644, OMIM 614228.

Submission:

Labcorp Genetics (formerly Invitae), Labcorp
Classification: Uncertain significance for Charcot-Marie-Tooth disease axonal type 2O. Last evaluated: 2019-12-04. Review status: criteria provided, single submitter. Criteria: Invitae Variant Classification Sherloc (09022015). Collection method: clinical testing. Allele origin: germline.
Comment: In summary, the available evidence is currently insufficient to determine the role of this variant in disease. Therefore, it has been classified as a Variant of Uncertain Significance. The current clinical and genetic evidence is not sufficient to establish whether loss-of-function variants in DYNC1H1 cause disease. Algorithms developed to predict the effect of sequence changes on RNA splicing suggest that this variant may create or strengthen a splice site, but this prediction has not been confirmed by published transcriptional studies. This variant has not been reported in the literature in individuals with DYNC1H1-related conditions. This variant is not present in population databases (ExAC no frequency). This sequence change creates a premature translational stop signal (p.Tyr4252*) in the DYNC1H1 gene. It is expected to result in an absent or disrupted protein product.